The following is an entry in ClinVar:

ClinVar aggregate classification (germline): Conflicting classifications of pathogenicity. Review status: criteria provided, conflicting classifications (1 of 4 stars). 2 submissions from 2 submitters: Uncertain significance (1); Likely benign (1). Last evaluated 2024-12-26.

Allele frequency attached by ClinVar (database versions not stated): gnomAD exomes 0.00005 and 0.00024; TOPMed 0.00005; gnomAD 0.00007 and 0.00008; ExAC 0.00032.
gnomAD v4.1: 83 of 1,612,114 alleles (0.0051%); highest among the groups gnomAD compares: Admixed American, 0.095%; no homozygotes.

Submissions (2):

Labcorp Genetics (formerly Invitae), Labcorp
Classification: Uncertain significance. Last evaluated: 2024-12-26. Review status: criteria provided, single submitter. Criteria: Invitae Variant Classification Sherloc (09022015). Collection method: clinical testing. Allele origin: germline.
Comment: This sequence change replaces serine, which is neutral and polar, with proline, which is neutral and non-polar, at codon 1616 of the MYO3A protein (p.Ser1616Pro). This variant is present in population databases (rs767228097, gnomAD 0.1%). This variant has not been reported in the literature in individuals affected with MYO3A-related conditions. ClinVar contains an entry for this variant (Variation ID: 666725). Experimental studies and prediction algorithms are not available or were not evaluated, and the functional significance of this variant is currently unknown. In summary, the available evidence is currently insufficient to determine the role of this variant in disease. Therefore, it has been classified as a Variant of Uncertain Significance.

Laboratory for Molecular Medicine, Mass General Brigham Personalized Medicine
Classification: Likely benign. Last evaluated: 2018-08-07. Review status: criteria provided, single submitter. Criteria: LMM Criteria. Collection method: clinical testing. Allele origin: germline. Observed: 1 variant allele.
Comment: The p.Ser1616Pro variant in MYO3A is classified as likely benign because it has been identified in 0.1% (42/33490) of Latino chromosomes by the Genome Aggregati on Database (gnomAD; dbSNP rs767228097). Compu tational prediction tools and conservation analysis suggest that the p.Ser1616Pr o variant may not impact the protein. ACMG/AMP Criteria applied: BS1_Supporting, BP4.

NM_017433.5(MYO3A):c.4846T>C (p.Ser1616Pro)

Gene: MYO3A (myosin IIIA; plus strand). Cytogenetic location: 10p12.1.
Variant type: single nucleotide variant.
Coding change: c.4846T>C on transcript NM_017433.5 (MANE Select); coding-DNA position 4846, T replaced by C.
Protein change: p.Ser1616Pro; replaces serine 1616 with proline.
Molecular consequence: missense variant.
Genome position (GRCh38, 1-based): chr10:26,211,958, T>C. VCF-style: chr10-26211958-T-C. GRCh37 (hg19) VCF-style: chr10-26500887-T-C.
Other names: short protein forms S1616P.
Identifiers: ClinVar variation 666725 (VCV000666725.6), dbSNP rs767228097, ClinGen allele CA5445599.